The following is an entry in ClinVar:

NM_003482.4(KMT2D):c.4046G>A (p.Ser1349Asn)

Gene: KMT2D (lysine methyltransferase 2D; minus strand). Cytogenetic location: 12q13.12.
Variant type: single nucleotide variant.
Coding change: c.4046G>A on transcript NM_003482.4 (MANE Select); coding-DNA position 4046, G replaced by A.
Protein change: p.Ser1349Asn; replaces serine 1349 with asparagine.
Molecular consequence: missense variant.
Genome position (GRCh38, 1-based): chr12:49,048,744, C>T on the plus strand (G>A on the coding strand, the complement: KMT2D is on the minus strand). VCF-style: chr12-49048744-C-T. GRCh37 (hg19) VCF-style: chr12-49442527-C-T.
Other names: short protein forms S1349N.
Identifiers: ClinVar variation 2893630 (VCV002893630.4), dbSNP rs1167060436, ClinGen allele CA384650903.
Genomic context (GRCh38, chr12:49,048,744, plus strand): 5'-TTGGAGAAGAGAACCACGGTATTCTGCATGGTGTCATCATCTTCTTCCTCCTCCTCCTTA[C>T]TGGGAGAGCTATCAATGTCAGCAACCTGATGGGCAGAGAGTTATGGAAAGTGAGGCAGAT-3'
Protein context (NP_003473.3, residues 1339-1359): LVVADIDSSP[Ser1349Asn]KEEEEEDDDT

ClinVar aggregate classification (germline): Uncertain significance. Review status: criteria provided, multiple submitters, no conflicts (2 of 4 stars). 2 submissions from 2 submitters: Uncertain significance (2). Last evaluated 2024-04-09.

Conditions:
Choanal atresia-athelia-hypothyroidism-delayed puberty-short stature syndrome (BCAHH). Also called: BRANCHIAL ARCH ABNORMALITIES, CHOANAL ATRESIA, ATHELIA, HEARING LOSS, AND HYPOTHYROIDISM SYNDROME. Identifiers: Orphanet 589856, MedGen C5680310, MONDO:0035651, OMIM 620186.
Kabuki syndrome 1 (KABUK1). Also called: KMT2D-Related Kabuki Syndrome. Identifiers: Orphanet 2322, MedGen CN030661, MONDO:0007843, OMIM 147920.
Kabuki syndrome. Also called: NIIKAWA-KUROKI SYNDROME; Kabuki make-up syndrome. Identifiers: Orphanet 2322, MedGen C0796004, MONDO:0016512.

Allele frequency attached by ClinVar (database versions not stated): TOPMed 0.00001.
gnomAD v4.1: 2 of 1,610,340 alleles (0.00012%); highest among the groups gnomAD compares: Non-Finnish European, 0.000085%; no homozygotes.

Submissions (2):

Fulgent Genetics
Classification: Uncertain significance for Kabuki syndrome 1; Choanal atresia-athelia-hypothyroidism-delayed puberty-short stature syndrome. Last evaluated: 2024-04-09. Review status: criteria provided, single submitter. Criteria: ACMG Guidelines, 2015. Collection method: clinical testing. Allele origin: germline.

Labcorp Genetics (formerly Invitae), Labcorp
Classification: Uncertain significance for Kabuki syndrome. Last evaluated: 2023-05-22. Review status: criteria provided, single submitter. Criteria: Invitae Variant Classification Sherloc (09022015). Collection method: clinical testing. Allele origin: germline.
Comment: This sequence change replaces serine, which is neutral and polar, with asparagine, which is neutral and polar, at codon 1349 of the KMT2D protein (p.Ser1349Asn). In summary, the available evidence is currently insufficient to determine the role of this variant in disease. Therefore, it has been classified as a Variant of Uncertain Significance. Advanced modeling of protein sequence and biophysical properties (such as structural, functional, and spatial information, amino acid conservation, physicochemical variation, residue mobility, and thermodynamic stability) performed at Invitae indicates that this missense variant is not expected to disrupt KMT2D protein function. This variant has not been reported in the literature in individuals affected with KMT2D-related conditions. This variant is not present in population databases (gnomAD no frequency).